The following is an entry in ClinVar:

NM_006206.6(PDGFRA):c.2995A>G (p.Lys999Glu)

Gene: PDGFRA (platelet derived growth factor receptor alpha; plus strand). Cytogenetic location: 4q12.
Variant type: single nucleotide variant.
Coding change: c.2995A>G on transcript NM_006206.6 (MANE Select); coding-DNA position 2995, A replaced by G.
Protein change: p.Lys999Glu; replaces lysine 999 with glutamic acid.
Molecular consequence: missense variant.
Genome position (GRCh38, 1-based): chr4:54,290,427, A>G. VCF-style: chr4-54290427-A-G. GRCh37 (hg19) VCF-style: chr4-55156594-A-G.
Other names: c.3070A>G, p.Lys1024Glu (NM_001347828.2); c.2995A>G, p.Lys999Glu (NM_001347829.2); c.3034A>G, p.Lys1012Glu (NM_001347830.2); short protein forms K1012E, K1024E, K999E.
Identifiers: ClinVar variation 2120341 (VCV002120341.5), dbSNP rs1724569826, ClinGen allele CA356896150.

ClinVar aggregate classification (germline): Uncertain significance. Review status: criteria provided, multiple submitters, no conflicts (2 of 4 stars). 2 submissions from 2 submitters: Uncertain significance (2). Last evaluated 2026-07-05.

Conditions:
Gastrointestinal stromal tumor. Also called: Gastrointestinal stroma tumor; Gastrointestinal stromal tumor, somatic. Identifiers: Orphanet 44890, MedGen C0238198, MeSH D046152, MONDO:0011719, OMIM 606764, HP:0100723.
Hereditary cancer-predisposing syndrome. Also called: Tumor predisposition; Hereditary Cancer Syndrome; Hereditary neoplastic syndrome; Neoplastic Syndromes, Hereditary. Identifiers: Orphanet 140162, MedGen C0027672, MeSH D009386, MONDO:0015356.

Submissions (2):

Ambry Genetics
Classification: Uncertain significance for Hereditary cancer-predisposing syndrome. Last evaluated: 2026-07-05. Review status: criteria provided, single submitter. Criteria: Ambry Variant Classification Scheme 2023. Collection method: clinical testing. Allele origin: germline.
Comment: The p.K999E variant (also known as c.2995A>G), located in coding exon 21 of the PDGFRA gene, results from an A to G substitution at nucleotide position 2995. The lysine at codon 999 is replaced by glutamic acid, an amino acid with similar properties. This amino acid position is conserved. In addition, the in silico prediction for this alteration is inconclusive. Based on the available evidence, the clinical significance of this variant remains unclear.

Labcorp Genetics (formerly Invitae), Labcorp
Classification: Uncertain significance for Gastrointestinal stromal tumor. Last evaluated: 2025-05-04. Review status: criteria provided, single submitter. Criteria: Invitae Variant Classification Sherloc (09022015). Collection method: clinical testing. Allele origin: germline.
Comment: This sequence change replaces lysine, which is basic and polar, with glutamic acid, which is acidic and polar, at codon 999 of the PDGFRA protein (p.Lys999Glu). This variant is not present in population databases (gnomAD no frequency). This variant has not been reported in the literature in individuals affected with PDGFRA-related conditions. ClinVar contains an entry for this variant (Variation ID: 2120341). An algorithm developed to predict the effect of missense changes on protein structure and function (PolyPhen-2) suggests that this variant is likely to be tolerated. In summary, the available evidence is currently insufficient to determine the role of this variant in disease. Therefore, it has been classified as a Variant of Uncertain Significance.